The following is an entry in ClinVar:

NM_206937.2(LIG4):c.1561A>T (p.Lys521Ter)

Gene: LIG4 (DNA ligase 4; minus strand). Cytogenetic location: 13q33.3.
Variant type: single nucleotide variant.
Coding change: c.1561A>T on transcript NM_206937.2 (MANE Select); coding-DNA position 1561, A replaced by T.
Protein change: p.Lys521Ter; replaces lysine 521 with a stop codon.
Molecular consequence: nonsense.
Genome position (GRCh38, 1-based): chr13:108,209,708, T>A on the plus strand (A>T on the coding strand, the complement: LIG4 is on the minus strand). VCF-style: chr13-108209708-T-A. GRCh37 (hg19) VCF-style: chr13-108862056-T-A.
Other names: c.1561A>T, p.Lys521Ter (NM_001098268.2, NM_001352598.2, NM_001352599.2 and 6 more transcripts); c.1360A>T, p.Lys454Ter (NM_001330595.2); c.1597A>T, p.Lys533Ter (NM_001352604.2); short protein forms K521*, K454*, K533*.
Identifiers: ClinVar variation 2794392 (VCV002794392.3), dbSNP rs2501598195, ClinGen allele CA388616852.

ClinVar aggregate classification (germline): Pathogenic (1 of 4 stars; one submission).

Conditions:
DNA ligase IV deficiency. Identifiers: Orphanet 99812, MedGen C1847827, MONDO:0011686, OMIM 606593.

Submission:

Labcorp Genetics (formerly Invitae), Labcorp
Classification: Pathogenic for DNA ligase IV deficiency. Last evaluated: 2023-04-30. Review status: criteria provided, single submitter. Criteria: Invitae Variant Classification Sherloc (09022015). Collection method: clinical testing. Allele origin: germline.
Comment: This sequence change creates a premature translational stop signal (p.Lys521*) in the LIG4 gene. While this is not anticipated to result in nonsense mediated decay, it is expected to disrupt the last 391 amino acid(s) of the LIG4 protein. This variant is not present in population databases (gnomAD no frequency). This variant has not been reported in the literature in individuals affected with LIG4-related conditions. This variant disrupts a region of the LIG4 protein in which other variant(s) (p.Arg814*) have been determined to be pathogenic (PMID: 11779494, 15333585, 16088910, 24123394, 24892279, 25239263, 27063650, 27612988). This suggests that this is a clinically significant region of the protein, and that variants that disrupt it are likely to be disease-causing. For these reasons, this variant has been classified as Pathogenic.

Literature cited by the submitters: PubMed 11779494; PubMed 15333585; PubMed 16088910; PubMed 24123394; PubMed 24892279; PubMed 25239263; PubMed 27063650; PubMed 27612988.